The following is an entry in ClinVar:

NM_025137.4(SPG11):c.3687_3688insC (p.Ile1230fs)

Gene: SPG11 (SPG11 vesicle trafficking associated, spatacsin; minus strand). Cytogenetic location: 15q21.1.
Variant type: Insertion.
Coding change: c.3687_3688insC on transcript NM_025137.4 (MANE Select); coding-DNA positions 3687 to 3688, C inserted.
Protein change: p.Ile1230fs; shifts the reading frame from isoleucine 1230.
Molecular consequence: frameshift variant.
Genome position: GRCh38 VCF-style: chr15-44598835-T-TG. GRCh37 (hg19) VCF-style: chr15-44891033-T-TG.
Other names: c.3687_3688insC, p.Ile1230fs (NM_001160227.2); short protein forms I1230fs.
Identifiers: ClinVar variation 1180842 (VCV001180842.5), dbSNP rs1459810136, ClinGen allele CA618006103.

ClinVar aggregate classification (germline): Pathogenic/Likely pathogenic. Review status: criteria provided, multiple submitters, no conflicts (2 of 4 stars). 3 submissions from 3 submitters: Pathogenic (2); Likely pathogenic (1). Last evaluated 2025-11-16.

Conditions:
Abnormal central motor function. Identifiers: MedGen C4023354, HP:0011442.
Charcot-Marie-Tooth disease axonal type 2X. Also called: CHARCOT-MARIE-TOOTH DISEASE, AXONAL, AUTOSOMAL RECESSIVE, TYPE 2X; CHARCOT-MARIE-TOOTH NEUROPATHY, TYPE 2X. Identifiers: Orphanet 466775, MedGen C5569024, MONDO:0014726, OMIM 616668.
Amyotrophic lateral sclerosis type 5 (ALS5). Also called: AMYOTROPHIC LATERAL SCLEROSIS 5, JUVENILE. Identifiers: Orphanet 300605, MedGen C1865864, MONDO:0011196, OMIM 602099.
Hereditary spastic paraplegia 11. Also called: Nakamura Osame syndrome; Autosomal recessive hereditary spastic paraplegia, mental impairment, and thin corpus callosum; Spastic Paraplegia 11; Spastic paraplegia, mental retardation and thin corpus callosum; SPASTIC PARAPLEGIA, AUTOSOMAL RECESSIVE, COMPLICATED, WITH THIN CORPUS CALLOSUM; SPASTIC PARAPLEGIA, AUTOSOMAL RECESSIVE, WITH MENTAL IMPAIRMENT AND THIN CORPUS CALLOSUM. Identifiers: Orphanet 2822, MedGen C1858479, MONDO:0011445, OMIM 604360.

Allele frequency attached by ClinVar (database versions not stated): gnomAD exomes below 0.00001 and 0.00001.

Submissions (3):

Labcorp Genetics (formerly Invitae), Labcorp
Classification: Pathogenic for Hereditary spastic paraplegia 11. Last evaluated: 2025-11-16. Review status: criteria provided, single submitter. Criteria: Invitae Variant Classification Sherloc (09022015). Collection method: clinical testing. Allele origin: germline.
Comment: This sequence change creates a premature translational stop signal (p.Ile1230Hisfs*7) in the SPG11 gene. It is expected to result in an absent or disrupted protein product. Loss-of-function variants in SPG11 are known to be pathogenic (PMID: 19105190, 20110243, 22154821, 26556829). This variant is present in population databases (no rsID available, gnomAD 0.0009%). This variant has not been reported in the literature in individuals affected with SPG11-related conditions. ClinVar contains an entry for this variant (Variation ID: 1180842). For these reasons, this variant has been classified as Pathogenic.

Fulgent Genetics
Classification: Likely pathogenic for Amyotrophic lateral sclerosis type 5; Hereditary spastic paraplegia 11; Charcot-Marie-Tooth disease axonal type 2X. Last evaluated: 2022-01-19. Review status: criteria provided, single submitter. Criteria: ACMG Guidelines, 2015. Collection method: clinical testing. Allele origin: unknown.

Kariminejad - Najmabadi Pathology & Genetics Center
Classification: Pathogenic for Abnormal central motor function. Last evaluated: 2021-07-10. Review status: criteria provided, single submitter. Criteria: ACMG Guidelines, 2015. Collection method: clinical testing. Allele origin: germline. Affected: yes.

Literature cited by the submitters: PubMed 19105190 (cited by Labcorp Genetics (formerly Invitae), Labcorp); PubMed 20110243 (cited by Labcorp Genetics (formerly Invitae), Labcorp); PubMed 22154821 (cited by Labcorp Genetics (formerly Invitae), Labcorp); PubMed 26556829 (cited by Labcorp Genetics (formerly Invitae), Labcorp).